The following is an entry in ClinVar:

NM_000375.3(UROS):c.634T>C (p.Ser212Pro)

Gene: UROS (uroporphyrinogen III synthase; minus strand). Cytogenetic location: 10q26.2.
Variant type: single nucleotide variant.
Coding change: c.634T>C on transcript NM_000375.3 (MANE Select); coding-DNA position 634, T replaced by C.
Protein change: p.Ser212Pro; replaces serine 212 with proline.
Molecular consequence: missense variant. On other transcripts: non-coding transcript variant (4).
Genome position (GRCh38, 1-based): chr10:125,794,906, A>G on the plus strand (T>C on the coding strand, the complement: UROS is on the minus strand). VCF-style: chr10-125794906-A-G. GRCh37 (hg19) VCF-style: chr10-127483475-A-G.
Other names: c.634T>C, p.Ser212Pro (NM_001324036.2); c.553T>C, p.Ser185Pro (NM_001324037.2, NM_001324038.2); short protein forms S212P, S185P.
Identifiers: ClinVar variation 2136940 (VCV002136940.4), dbSNP rs139388833, ClinGen allele CA5738368.
Genomic context (GRCh38, chr10:125,794,906, plus strand): 5'-CTGAAAAAGACCAAAAGCTCATTGAATAACTTACCTTAATTTGATCGATATTGTCACCAG[A>G]TAACTCCTGAATGTGCTTGAGACTGTATGTGAGGCCAGAGGGACTAAAAAATGTGATGCT-3'
Protein context (NP_000366.1, residues 202-222): TYSLKHIQEL[Ser212Pro]GDNIDQIKFA

ClinVar aggregate classification (germline): Pathogenic (1 of 4 stars; one submission).

Allele frequency attached by ClinVar (database versions not stated): gnomAD exomes below 0.00001; ExAC 0.00001; ESP Exome Variant Server 0.00008.
gnomAD v4.1: 4 of 1,614,148 alleles (0.00025%); highest among the groups gnomAD compares: Non-Finnish European, 0.00034%; no homozygotes.

Submission:

Labcorp Genetics (formerly Invitae), Labcorp
Classification: Pathogenic. Last evaluated: 2022-08-31. Review status: criteria provided, single submitter. Criteria: Invitae Variant Classification Sherloc (09022015). Collection method: clinical testing. Allele origin: germline.
Comment: This missense change has been observed in individual(s) with congenital erythropoietic porphyria (PMID: 8655129, 22816431). In at least one individual the data is consistent with being in trans (on the opposite chromosome) from a pathogenic variant. It has also been observed to segregate with disease in related individuals. Algorithms developed to predict the effect of missense changes on protein structure and function (SIFT, PolyPhen-2, Align-GVGD) all suggest that this variant is likely to be tolerated. Experimental studies have shown that this missense change affects UROS function (PMID: 8655129, 19099412). For these reasons, this variant has been classified as Pathogenic. This variant is present in population databases (rs139388833, gnomAD 0.0009%). This sequence change replaces serine, which is neutral and polar, with proline, which is neutral and non-polar, at codon 212 of the UROS protein (p.Ser212Pro).

Literature cited by the submitters: PubMed 8655129; PubMed 22816431; PubMed 19099412.